The following is an entry in ClinVar:

ClinVar aggregate classification (germline): Likely benign (1 of 4 stars; one submission).

gnomAD v4.1: 13 of 1,613,648 alleles (0.00081%); highest among the groups gnomAD compares: South Asian, 0.0033%; no homozygotes.

Submission:

Mayo Clinic Laboratories, Mayo Clinic
Classification: Likely benign. Last evaluated: 2025-04-21. Review status: criteria provided, single submitter. Criteria: ACMG Guidelines, 2015. Collection method: clinical testing. Allele origin: germline. Observed: 1 variant allele.
Comment: BP4, BP7

NM_003906.5(MCM3AP):c.1523-10A>G

Gene: MCM3AP (minichromosome maintenance complex component 3 associated protein; minus strand). Cytogenetic location: 21q22.3.
Variant type: single nucleotide variant.
Coding change: c.1523-10A>G on transcript NM_003906.5 (MANE Select); 10 bases into the intron before coding-DNA position 1523, A replaced by G.
Molecular consequence: intron variant.
Genome position (GRCh38, 1-based): chr21:46,280,147, T>C on the plus strand (A>G on the coding strand, the complement: MCM3AP is on the minus strand). VCF-style: chr21-46280147-T-C. GRCh37 (hg19) VCF-style: chr21-47700061-T-C.
Other names: p.?.
Identifiers: ClinVar variation 4684442 (VCV004684442.1).